The following is an entry in ClinVar:

ClinVar aggregate classification (germline): Likely benign. Review status: criteria provided, multiple submitters, no conflicts (2 of 4 stars). 2 submissions from 2 submitters: Likely benign (2). Last evaluated 2026-05-28.

Conditions:
SERPINF2-related disorder. Also called: SERPINF2-related condition.

gnomAD v4.1: 89 of 1,603,284 alleles (0.0056%); highest among the groups gnomAD compares: Middle Eastern, 0.05%; no homozygotes.

Submissions (2):

PreventionGenetics, part of Exact Sciences
Classification: Likely benign for SERPINF2-related condition. Last evaluated: 2026-05-28. Review status: criteria provided, single submitter. Criteria: ACMG Guidelines, 2015. Collection method: clinical testing. Allele origin: germline.
Comment: This variant is classified as likely benign based on ACMG/AMP sequence variant interpretation guidelines (Richards et al. 2015 PMID: 25741868, with internal and published modifications).

Blueprint Genetics
Classification: Likely benign. Last evaluated: 2023-12-07. Review status: criteria provided, single submitter. Criteria: ACMG Guidelines, 2015. Collection method: clinical testing. Allele origin: germline.

NM_000934.4(SERPINF2):c.60C>T (p.Ser20=)

Gene: SERPINF2 (serpin family F member 2; plus strand). Cytogenetic location: 17p13.3.
Variant type: single nucleotide variant.
Coding change: c.60C>T on transcript NM_000934.4 (MANE Select); coding-DNA position 60, C replaced by T.
Protein change: p.Ser20=; no amino-acid change (serine 20 retained).
Molecular consequence: synonymous variant.
Genome position (GRCh38, 1-based): chr17:1,745,055, C>T. VCF-style: chr17-1745055-C-T. GRCh37 (hg19) VCF-style: chr17-1648349-C-T.
Other names: c.60C>T, p.Ser20= (NM_001165920.1, NM_001165921.2).
Identifiers: ClinVar variation 4932644 (VCV004932644.2).
Genomic context (GRCh38, chr17:1,745,055, plus strand): 5'-CATGGCGCTGCTCTGGGGGCTCCTGGTGCTCAGCTGGTCCTGCCTGCAAGGCCCCTGCTC[C>T]GTGGTGAGGCTGGGCTGAAGTCAAGGTGGGGTGGGGTGGAGGGGGAAGAAGAGGGGCGTT-3'
Protein context (NP_000925.2, residues 10-30): LSWSCLQGPC[Ser20=]VFSPVSAMEP